The following is an entry in ClinVar:

NM_152564.5(VPS13B):c.2362G>T (p.Glu788Ter)

Gene: VPS13B (vacuolar protein sorting 13 homolog B; plus strand). Cytogenetic location: 8q22.2.
Variant type: single nucleotide variant.
Coding change: c.2362G>T on transcript NM_152564.5 (MANE Select); coding-DNA position 2362, G replaced by T.
Protein change: p.Glu788Ter; replaces glutamic acid 788 with a stop codon.
Molecular consequence: nonsense.
Genome position (GRCh38, 1-based): chr8:99,192,904, G>T. VCF-style: chr8-99192904-G-T. GRCh37 (hg19) VCF-style: chr8-100205132-G-T.
Other names: c.2362G>T, p.Glu788Ter (NM_015243.3, NM_017890.5); short protein forms E788*.
Identifiers: ClinVar variation 554360 (VCV000554360.4), dbSNP rs1554666009, ClinGen allele CA371861516.

ClinVar aggregate classification (germline): Pathogenic. Review status: criteria provided, single submitter (1 of 4 stars). 2 submissions from 2 submitters: Pathogenic (1). 1 of the submissions does not count toward it. Last evaluated 2024-02-14.

Conditions:
Cohen syndrome (COH1). Also called: Cutis verticis gyrata, retinitis pigmentosa, and sensorineural deafness; PEPPER SYNDROME. Identifiers: Orphanet 193, MedGen C0265223, MONDO:0008999, OMIM 216550.

Submissions (2):

Labcorp Genetics (formerly Invitae), Labcorp
Classification: Pathogenic for Cohen syndrome. Last evaluated: 2024-02-14. Review status: criteria provided, single submitter. Criteria: Invitae Variant Classification Sherloc (09022015). Collection method: clinical testing. Allele origin: germline.
Comment: This sequence change creates a premature translational stop signal (p.Glu788*) in the VPS13B gene. It is expected to result in an absent or disrupted protein product. Loss-of-function variants in VPS13B are known to be pathogenic (PMID: 15141358, 16648375, 20461111). This variant is not present in population databases (gnomAD no frequency). This variant has not been reported in the literature in individuals affected with VPS13B-related conditions. ClinVar contains an entry for this variant (Variation ID: 554360). For these reasons, this variant has been classified as Pathogenic.

Counsyl
Classification: Likely pathogenic for Cohen syndrome. Last evaluated: 2017-10-17. Review status: no assertion criteria provided. Collection method: clinical testing. Allele origin: unknown. Not counted in ClinVar's aggregate classification.

Literature cited by the submitters: PubMed 15141358 (cited by Labcorp Genetics (formerly Invitae), Labcorp); PubMed 16648375 (cited by Labcorp Genetics (formerly Invitae), Labcorp); PubMed 20461111 (cited by Labcorp Genetics (formerly Invitae), Labcorp).